The following is an entry in ClinVar:

ClinVar aggregate classification (germline): Uncertain significance. Review status: criteria provided, multiple submitters, no conflicts (2 of 4 stars). 2 submissions from 2 submitters: Uncertain significance (2). Last evaluated 2024-09-24.

Conditions:
Inclusion body myopathy with early-onset Paget disease with or without frontotemporal dementia 2 (IBMPFD2). Also called: MULTISYSTEM PROTEINOPATHY 2. Identifiers: MedGen C3809468, MONDO:0014178, OMIM 615422.

Allele frequency attached by ClinVar (database versions not stated): gnomAD exomes below 0.00001; gnomAD 0.00001; ExAC 0.00004; ESP Exome Variant Server 0.00008.
gnomAD v4.1: 8 of 1,613,784 alleles (0.0005%); highest among the groups gnomAD compares: East Asian, 0.0089%; no homozygotes.

Submissions (2):

Labcorp Genetics (formerly Invitae), Labcorp
Classification: Uncertain significance for Inclusion body myopathy with early-onset Paget disease with or without frontotemporal dementia 2. Last evaluated: 2024-09-24. Review status: criteria provided, single submitter. Criteria: Invitae Variant Classification Sherloc (09022015). Collection method: clinical testing. Allele origin: germline.
Comment: This sequence change replaces methionine, which is neutral and non-polar, with valine, which is neutral and non-polar, at codon 327 of the HNRNPA2B1 protein (p.Met327Val). This variant is present in population databases (rs372687249, gnomAD 0.04%). This variant has not been reported in the literature in individuals affected with HNRNPA2B1-related conditions. ClinVar contains an entry for this variant (Variation ID: 1924249). An algorithm developed to predict the effect of missense changes on protein structure and function (PolyPhen-2) suggests that this variant is likely to be tolerated. In summary, the available evidence is currently insufficient to determine the role of this variant in disease. Therefore, it has been classified as a Variant of Uncertain Significance.

GeneDx
Classification: Uncertain significance. Last evaluated: 2022-09-21. Review status: criteria provided, single submitter. Criteria: GeneDx Variant Classification Process June 2021. Collection method: clinical testing. Allele origin: germline. Affected: yes.
Comment: In silico analysis supports that this missense variant does not alter protein structure/function; Has not been previously published as pathogenic or benign to our knowledge

NM_002137.4(HNRNPA2B1):c.943A>G (p.Met315Val)

Gene: HNRNPA2B1 (heterogeneous nuclear ribonucleoprotein A2/B1; minus strand). Cytogenetic location: 7p15.2.
Variant type: single nucleotide variant.
Coding change: c.943A>G on transcript NM_002137.4 (MANE Select); coding-DNA position 943, A replaced by G.
Protein change: p.Met315Val; replaces methionine 315 with valine.
Molecular consequence: missense variant.
Genome position (GRCh38, 1-based): chr7:26,193,272, T>C on the plus strand (A>G on the coding strand, the complement: HNRNPA2B1 is on the minus strand). VCF-style: chr7-26193272-T-C. GRCh37 (hg19) VCF-style: chr7-26232892-T-C.
Other names: c.979A>G, p.Met327Val (NM_031243.4); short protein forms M315V, M327V.
Identifiers: ClinVar variation 1924249 (VCV001924249.6), dbSNP rs372687249, ClinGen allele CA4194413.